The following is an entry in ClinVar:

NM_005450.6(NOG):c.517G>A (p.Val173Met)

Gene: NOG (noggin; plus strand). Cytogenetic location: 17q22.
Variant type: single nucleotide variant.
Coding change: c.517G>A on transcript NM_005450.6 (MANE Select); coding-DNA position 517, G replaced by A.
Protein change: p.Val173Met; replaces valine 173 with methionine.
Molecular consequence: missense variant.
Genome position (GRCh38, 1-based): chr17:56,594,740, G>A. VCF-style: chr17-56594740-G-A. GRCh37 (hg19) VCF-style: chr17-54672101-G-A.
Other names: short protein forms V173M.
Identifiers: ClinVar variation 2711921 (VCV002711921.3), dbSNP rs748947432, ClinGen allele CA8663213.
Genomic context (GRCh38, chr17:56,594,740, plus strand): 5'-ACATTCTGCCCCGTGCTGTACGCGTGGAACGACCTGGGCAGCCGCTTTTGGCCGCGCTAC[G>A]TGAAGGTGGGCAGCTGCTTCAGTAAGCGCTCGTGCTCCGTGCCCGAGGGCATGGTGTGCA-3'
Protein context (NP_005441.1, residues 163-183): DLGSRFWPRY[Val173Met]KVGSCFSKRS

ClinVar aggregate classification (germline): Uncertain significance (1 of 4 stars; one submission).

Allele frequency attached by ClinVar (database versions not stated): ExAC 0.00004.
gnomAD v4.1: 30 of 1,613,932 alleles (0.0019%); highest among the groups gnomAD compares: South Asian, 0.031%; no homozygotes.

Submission:

Labcorp Genetics (formerly Invitae), Labcorp
Classification: Uncertain significance. Last evaluated: 2026-02-01. Review status: criteria provided, single submitter. Criteria: Invitae Variant Classification Sherloc (09022015). Collection method: clinical testing. Allele origin: germline.
Comment: This sequence change replaces valine, which is neutral and non-polar, with methionine, which is neutral and non-polar, at codon 173 of the NOG protein (p.Val173Met). This variant is present in population databases (rs748947432, gnomAD 0.03%). This variant has not been reported in the literature in individuals affected with NOG-related conditions. ClinVar contains an entry for this variant (Variation ID: 2711921). An algorithm developed to predict the effect of missense changes on protein structure and function (PolyPhen-2) suggests that this variant is likely to be disruptive. In summary, the available evidence is currently insufficient to determine the role of this variant in disease. Therefore, it has been classified as a Variant of Uncertain Significance.